The following is an entry in ClinVar:

ClinVar aggregate classification (germline): Uncertain significance. Review status: criteria provided, multiple submitters, no conflicts (2 of 4 stars). 4 submissions from 4 submitters: Uncertain significance (4). Last evaluated 2025-03-26.

Conditions:
Pierson syndrome. Also called: MICROCORIA-CONGENITAL NEPHROTIC SYNDROME. Identifiers: Orphanet 2670, MedGen C1836876, MONDO:0012184, OMIM 609049.
LAMB2-related infantile-onset nephrotic syndrome. Also called: NEPHROTIC SYNDROME, TYPE 5, WITHOUT OCULAR ABNORMALITIES; NEPHROTIC SYNDROME, TYPE 5, WITH OCULAR ABNORMALITIES; Nephrotic Syndrome, type 5. Identifiers: Orphanet 306507, MedGen C3280113, MONDO:0013621, OMIM 614199.
Inborn genetic diseases. Identifiers: MedGen C0950123, MeSH D030342.

Allele frequency attached by ClinVar (database versions not stated): ESP Exome Variant Server 0.00015; TOPMed 0.00019; gnomAD 0.00021 and 0.00024; gnomAD exomes 0.00023 and 0.00040; ExAC 0.00043.

Submissions (4):

Ambry Genetics
Classification: Uncertain significance for Inborn genetic diseases. Last evaluated: 2025-03-26. Review status: criteria provided, single submitter. Criteria: Ambry Variant Classification Scheme 2023. Collection method: clinical testing. Allele origin: germline.

Fulgent Genetics
Classification: Uncertain significance for Pierson syndrome; LAMB2-related infantile-onset nephrotic syndrome. Last evaluated: 2024-04-19. Review status: criteria provided, single submitter. Criteria: ACMG Guidelines, 2015. Collection method: clinical testing. Allele origin: germline.

Labcorp Genetics (formerly Invitae), Labcorp
Classification: Uncertain significance for LAMB2-related infantile-onset nephrotic syndrome; Pierson syndrome. Last evaluated: 2023-12-21. Review status: criteria provided, single submitter. Criteria: Invitae Variant Classification Sherloc (09022015). Collection method: clinical testing. Allele origin: germline.
Comment: This sequence change replaces serine, which is neutral and polar, with arginine, which is basic and polar, at codon 757 of the LAMB2 protein (p.Ser757Arg). This variant is present in population databases (rs143405268, gnomAD 0.1%). This variant has not been reported in the literature in individuals affected with LAMB2-related conditions. ClinVar contains an entry for this variant (Variation ID: 576812). An algorithm developed to predict the effect of missense changes on protein structure and function (PolyPhen-2) suggests that this variant¬†is likely to be tolerated. In summary, the available evidence is currently insufficient to determine the role of this variant in disease. Therefore, it has been classified as a Variant of Uncertain Significance.

CeGaT Center for Human Genetics Tuebingen
Classification: Uncertain significance. Last evaluated: 2020-10-01. Review status: criteria provided, single submitter. Criteria: CeGaT Center For Human Genetics Tuebingen Variant Classification Criteria Version 2. Collection method: clinical testing. Allele origin: germline. Affected: yes. Observed: 1 variant allele.

NM_002292.4(LAMB2):c.2271C>A (p.Ser757Arg)

Gene: LAMB2 (laminin subunit beta 2; minus strand). Cytogenetic location: 3p21.31.
Variant type: single nucleotide variant.
Coding change: c.2271C>A on transcript NM_002292.4 (MANE Select); coding-DNA position 2271, C replaced by A.
Protein change: p.Ser757Arg; replaces serine 757 with arginine.
Molecular consequence: missense variant.
Genome position (GRCh38, 1-based): chr3:49,126,040, G>T on the plus strand (C>A on the coding strand, the complement: LAMB2 is on the minus strand). VCF-style: chr3-49126040-G-T. GRCh37 (hg19) VCF-style: chr3-49163473-G-T.
Other names: short protein forms S757R.
Identifiers: ClinVar variation 576812 (VCV000576812.46), dbSNP rs143405268, ClinGen allele CA2394347.